The following is an entry in ClinVar:

NM_001042492.3(NF1):c.7778del (p.Leu2593fs)

Gene: NF1 (neurofibromin 1; plus strand). Cytogenetic location: 17q11.2.
Variant type: Deletion.
Coding change: c.7778del on transcript NM_001042492.3 (MANE Select); coding-DNA position 7778, one base deleted (T; older notation c.7778delT).
Protein change: p.Leu2593fs; shifts the reading frame from leucine 2593.
Molecular consequence: frameshift variant.
Genome position (GRCh38, 1-based): chr17:31,356,999, T deleted; the last of 3 consecutive T bases (chr17:31,356,997-31,356,999); deleting any one gives the same sequence. VCF-style (leftmost placement, unchanged base first): chr17-31356996-AT-A. GRCh37 (hg19) VCF-style: chr17-29684014-AT-A.
Other names: c.7715delT, p.Leu2572Tyrfs (NM_000267.4); short protein forms L2572fs, L2593fs.
Identifiers: ClinVar variation 586173 (VCV000586173.4), dbSNP rs1567626919, ClinGen allele CA891843665.

ClinVar aggregate classification (germline): Pathogenic. Review status: criteria provided, multiple submitters, no conflicts (2 of 4 stars). 2 submissions from 2 submitters: Pathogenic (2). Last evaluated 2024-09-11.

Conditions:
Neurofibromatosis, type 1 (NF1). Also called: Peripheral type neurofibromatosis; VON RECKLINGHAUSEN DISEASE; NEUROFIBROMATOSIS, TYPE I, SOMATIC; Neurofibromatosis, type I. Identifiers: Orphanet 636, MedGen C0027831, MONDO:0018975, OMIM 162200. Disease mechanism: loss of function.

Submissions (2):

Labcorp Genetics (formerly Invitae), Labcorp
Classification: Pathogenic for Neurofibromatosis, type 1. Last evaluated: 2024-09-11. Review status: criteria provided, single submitter. Criteria: Invitae Variant Classification Sherloc (09022015). Collection method: clinical testing. Allele origin: germline.
Comment: This sequence change creates a premature translational stop signal (p.Leu2572Tyrfs*31) in the NF1 gene. It is expected to result in an absent or disrupted protein product. Loss-of-function variants in NF1 are known to be pathogenic (PMID: 10712197, 23913538). This variant is not present in population databases (gnomAD no frequency). This variant has not been reported in the literature in individuals affected with NF1-related conditions. ClinVar contains an entry for this variant (Variation ID: 586173). For these reasons, this variant has been classified as Pathogenic.

Athena Diagnostics
Classification: Pathogenic. Last evaluated: 2018-01-16. Review status: criteria provided, single submitter. Criteria: Athena Diagnostics Criteria. Collection method: clinical testing. Allele origin: germline.

Literature cited by the submitters: PubMed 10712197 (cited by Labcorp Genetics (formerly Invitae), Labcorp); PubMed 23913538 (cited by Labcorp Genetics (formerly Invitae), Labcorp).